The following is an entry in ClinVar:

ClinVar aggregate classification (germline): Likely benign (0 of 4 stars; one submission).

Conditions:
NOS1-related disorder. Also called: NOS1-related condition.

Allele frequency attached by ClinVar (database versions not stated): ExAC 0.00013; gnomAD 0.00013; gnomAD exomes 0.00014; ESP Exome Variant Server 0.00016.
gnomAD v4.1: 228 of 1,613,964 alleles (0.014%); highest among the groups gnomAD compares: Non-Finnish European, 0.0053%; no homozygotes.

Submission:

PreventionGenetics, part of Exact Sciences
Classification: Likely benign for NOS1-related condition. Last evaluated: 2019-07-30. Review status: no assertion criteria provided. Collection method: clinical testing. Allele origin: germline.
Comment: This variant is classified as likely benign based on ACMG/AMP sequence variant interpretation guidelines (Richards et al. 2015 PMID: 25741868, with internal and published modifications).

NM_000620.5(NOS1):c.559C>T (p.Pro187Ser)

Gene: NOS1 (nitric oxide synthase 1; minus strand). Cytogenetic location: 12q24.22.
Variant type: single nucleotide variant.
Coding change: c.559C>T on transcript NM_000620.5 (MANE Select); coding-DNA position 559, C replaced by T.
Protein change: p.Pro187Ser; replaces proline 187 with serine.
Molecular consequence: missense variant.
Genome position (GRCh38, 1-based): chr12:117,330,511, G>A on the plus strand (C>T on the coding strand, the complement: NOS1 is on the minus strand). VCF-style: chr12-117330511-G-A. GRCh37 (hg19) VCF-style: chr12-117768316-G-A.
Other names: c.559C>T, p.Pro187Ser (NM_001204218.2); short protein forms P187S.
Identifiers: ClinVar variation 3034810 (VCV003034810.2), dbSNP rs200282713, ClinGen allele CA6815424.
Genomic context (GRCh38, chr12:117,330,511, plus strand): 5'-TGAGCAGTTCATTGTTCTCCCCTCTGCCTTGGAGGCTGACTCTGGTTGCTTTCTTCGCGG[G>A]GTCCTGGCCTGGGGGCCTGGGGGCCAGGCCGTTGGCATGGGGGAGTGAGCCAGCCTCCTG-3'
Protein context (NP_000611.1, residues 177-197): GLAPRPPGQD[Pro187Ser]AKKATRVSLQ